The following is an entry in ClinVar:

ClinVar aggregate classification (germline): Uncertain significance (1 of 4 stars; one submission).

Submission:

GeneDx
Classification: Uncertain significance. Last evaluated: 2023-05-01. Review status: criteria provided, single submitter. Criteria: GeneDx Variant Classification Process June 2021. Collection method: clinical testing. Allele origin: germline. Affected: yes.
Comment: Not observed at significant frequency in large population cohorts (gnomAD); In silico analysis supports that this missense variant has a deleterious effect on protein structure/function; Has not been previously published as pathogenic or benign to our knowledge

NM_004172.5(SLC1A3):c.1027A>G (p.Lys343Glu)

Genes: SLC1A3 (solute carrier family 1 member 3; plus strand), SLC1A3-AS1 (SLC1A3 antisense RNA 1; minus strand). Cytogenetic location: 5p13.2.
Variant type: single nucleotide variant.
Coding change: c.1027A>G on transcript NM_004172.5 (MANE Select); coding-DNA position 1027, A replaced by G.
Protein change: p.Lys343Glu; replaces lysine 343 with glutamic acid.
Molecular consequence: missense variant.
Genome position (GRCh38, 1-based): chr5:36,679,793, A>G. VCF-style: chr5-36679793-A-G. GRCh37 (hg19) VCF-style: chr5-36679895-A-G.
Other names: c.1027A>G, p.Lys343Glu (NM_001166695.3); c.889A>G, p.Lys297Glu (NM_001289939.2); c.691A>G, p.Lys231Glu (NM_001289940.2); short protein forms K231E, K297E, K343E.
Identifiers: ClinVar variation 2662079 (VCV002662079.1), dbSNP rs2478157797, ClinGen allele CA359481424.